The following is an entry in ClinVar:

ClinVar aggregate classification (germline): Uncertain significance (1 of 4 stars; one submission).

Allele frequency attached by ClinVar (database versions not stated): gnomAD exomes below 0.00001.
gnomAD v4.1: 1 of 1,298,998 alleles (0.000077%); highest among the groups gnomAD compares: Non-Finnish European, 0.000098%; no homozygotes.

Submission:

Ambry Genetics
Classification: Uncertain significance. Last evaluated: 2022-10-30. Review status: criteria provided, single submitter. Criteria: Ambry Variant Classification Scheme 2023. Collection method: clinical testing. Allele origin: germline.
Comment: The p.A118V variant (also known as c.353C>T), located in coding exon 1 of the EGLN1 gene, results from a C to T substitution at nucleotide position 353. The alanine at codon 118 is replaced by valine, an amino acid with similar properties. This amino acid position is conserved. In addition, this alteration is predicted to be tolerated by in silico analysis. Since supporting evidence is limited at this time, the clinical significance of this alteration remains unclear.

NM_022051.3(EGLN1):c.353C>T (p.Ala118Val)

Gene: EGLN1 (egl-9 family hypoxia inducible factor 1; minus strand). Cytogenetic location: 1q42.2.
Variant type: single nucleotide variant.
Coding change: c.353C>T on transcript NM_022051.3 (MANE Select); coding-DNA position 353, C replaced by T.
Protein change: p.Ala118Val; replaces alanine 118 with valine.
Molecular consequence: missense variant.
Genome position (GRCh38, 1-based): chr1:231,421,536, G>A on the plus strand (C>T on the coding strand, the complement: EGLN1 is on the minus strand). VCF-style: chr1-231421536-G-A. GRCh37 (hg19) VCF-style: chr1-231557282-G-A.
Other names: c.353C>T, p.Ala118Val (NM_001377260.1, NM_001377261.1); short protein forms A118V.
Identifiers: ClinVar variation 1732446 (VCV001732446.2), dbSNP rs1357444347, ClinGen allele CA345237517.